The following is an entry in ClinVar:

ClinVar aggregate classification (germline): Uncertain significance (1 of 4 stars; one submission).

Conditions:
MOGS-congenital disorder of glycosylation. Also called: CDG IIb; MOGS-CDG; GLUCOSIDASE I DEFICIENCY; CDG 2B. Identifiers: Orphanet 79330, MedGen C1853736, MONDO:0011629, OMIM 606056.

Allele frequency attached by ClinVar (database versions not stated): gnomAD exomes below 0.00001 and 0.00003; ExAC 0.00001; gnomAD 0.00001; TOPMed 0.00001; 1000 Genomes Project 30x 0.00016; 1000 Genomes Project 0.00020.
gnomAD v4.1: 38 of 1,614,070 alleles (0.0024%); highest among the groups gnomAD compares: Non-Finnish European, 0.0032%; no homozygotes.

Submission:

Labcorp Genetics (formerly Invitae), Labcorp
Classification: Uncertain significance for MOGS-congenital disorder of glycosylation. Last evaluated: 2025-10-06. Review status: criteria provided, single submitter. Criteria: Invitae Variant Classification Sherloc (09022015). Collection method: clinical testing. Allele origin: germline.
Comment: This sequence change replaces alanine, which is neutral and non-polar, with valine, which is neutral and non-polar, at codon 646 of the MOGS protein (p.Ala646Val). This variant is present in population databases (rs536613092, gnomAD 0.0009%). This variant has not been reported in the literature in individuals affected with MOGS-related conditions. ClinVar contains an entry for this variant (Variation ID: 1493543). Invitae Evidence Modeling of protein sequence and biophysical properties (such as structural, functional, and spatial information, amino acid conservation, physicochemical variation, residue mobility, and thermodynamic stability) indicates that this missense variant is not expected to disrupt MOGS protein function with a negative predictive value of 80%. In summary, the available evidence is currently insufficient to determine the role of this variant in disease. Therefore, it has been classified as a Variant of Uncertain Significance.

NM_006302.3(MOGS):c.1937C>T (p.Ala646Val)

Gene: MOGS (mannosyl-oligosaccharide glucosidase; minus strand). Cytogenetic location: 2p13.1.
Variant type: single nucleotide variant.
Coding change: c.1937C>T on transcript NM_006302.3 (MANE Select); coding-DNA position 1937, C replaced by T.
Protein change: p.Ala646Val; replaces alanine 646 with valine.
Molecular consequence: missense variant.
Genome position (GRCh38, 1-based): chr2:74,461,852, G>A on the plus strand (C>T on the coding strand, the complement: MOGS is on the minus strand). VCF-style: chr2-74461852-G-A. GRCh37 (hg19) VCF-style: chr2-74688979-G-A.
Other names: c.1619C>T, p.Ala540Val (NM_001146158.2); short protein forms A646V, A540V.
Identifiers: ClinVar variation 1493543 (VCV001493543.8), dbSNP rs536613092, ClinGen allele CA1724696.